The following is an entry in ClinVar:

NM_000277.3(PAH):c.234A>T (p.Glu78Asp)

Gene: PAH (phenylalanine hydroxylase; minus strand). Cytogenetic location: 12q23.2.
Variant type: single nucleotide variant.
Coding change: c.234A>T on transcript NM_000277.3 (MANE Select); coding-DNA position 234, A replaced by T.
Protein change: p.Glu78Asp; replaces glutamic acid 78 with aspartic acid.
Molecular consequence: missense variant.
Genome position (GRCh38, 1-based): chr12:102,894,853, T>A on the plus strand (A>T on the coding strand, the complement: PAH is on the minus strand). VCF-style: chr12-102894853-T-A. GRCh37 (hg19) VCF-style: chr12-103288631-T-A.
Other names: c.234A>T, p.Glu78Asp (NM_001354304.2); short protein forms E78D.
Identifiers: ClinVar variation 1443943 (VCV001443943.4), dbSNP rs2136701879, ClinGen allele CA386304160.

ClinVar aggregate classification (germline): Uncertain significance (1 of 4 stars; one submission).

Conditions:
Phenylketonuria (PKU). Also called: OLIGOPHRENIA PHENYLPYRUVICA; Phenylketonurias; Phenylketonuria (PKU); FOLLING DISEASE. Identifiers: Orphanet 716, MedGen C0031485, MONDO:0009861, OMIM 261600. Disease mechanism: loss of function.

Submission:

Labcorp Genetics (formerly Invitae), Labcorp
Classification: Uncertain significance for Phenylketonuria. Last evaluated: 2022-07-19. Review status: criteria provided, single submitter. Criteria: Invitae Variant Classification Sherloc (09022015). Collection method: clinical testing. Allele origin: germline.
Comment: This sequence change replaces glutamic acid, which is acidic and polar, with aspartic acid, which is acidic and polar, at codon 78 of the PAH protein (p.Glu78Asp). This variant is not present in population databases (gnomAD no frequency). This variant has not been reported in the literature in individuals affected with PAH-related conditions. ClinVar contains an entry for this variant (Variation ID: 1443943). Algorithms developed to predict the effect of missense changes on protein structure and function are either unavailable or do not agree on the potential impact of this missense change (SIFT: "Not Available"; PolyPhen-2: "Benign"; Align-GVGD: "Not Available"). This variant disrupts the p.Glu78 amino acid residue in PAH. Other variant(s) that disrupt this residue have been determined to be pathogenic (PMID: 32668217; Invitae). This suggests that this residue is clinically significant, and that variants that disrupt this residue are likely to be disease-causing. In summary, the available evidence is currently insufficient to determine the role of this variant in disease. Therefore, it has been classified as a Variant of Uncertain Significance.

Literature cited by the submitters: PubMed 32668217.